The following is an entry in ClinVar:

NM_001369369.1(FOXN1):c.1627+6C>T

Gene: FOXN1 (forkhead box N1; plus strand). Cytogenetic location: 17q11.2.
Variant type: single nucleotide variant.
Coding change: c.1627+6C>T on transcript NM_001369369.1 (MANE Select); 6 bases into the intron after coding-DNA position 1627, C replaced by T.
Molecular consequence: intron variant.
Genome position (GRCh38, 1-based): chr17:28,535,204, C>T. VCF-style: chr17-28535204-C-T. GRCh37 (hg19) VCF-style: chr17-26862222-C-T.
Other names: c.1627+6C>T (NM_003593.3).
Identifiers: ClinVar variation 1472333 (VCV001472333.6), dbSNP rs752486885, ClinGen allele CA8459571.

ClinVar aggregate classification (germline): Conflicting classifications of pathogenicity. Review status: criteria provided, conflicting classifications (1 of 4 stars). 2 submissions from 2 submitters: Uncertain significance (1); Likely benign (1). Last evaluated 2025-08-03.

Conditions:
T-cell immunodeficiency, congenital alopecia, and nail dystrophy. Also called: Congenital alopecia and nail dystrophy associated with severe functional T-cell immunodeficiency; Pignata Guarino syndrome. Identifiers: Orphanet 169095, MedGen C1866426, MONDO:0011132, OMIM 601705.

Allele frequency attached by ClinVar (database versions not stated): gnomAD exomes below 0.00001 and 0.00001; ExAC 0.00001; TOPMed 0.00001.
gnomAD v4.1: 19 of 1,612,444 alleles (0.0012%); highest among the groups gnomAD compares: Non-Finnish European, 0.0016%; no homozygotes.

Submissions (2):

Labcorp Genetics (formerly Invitae), Labcorp
Classification: Uncertain significance for T-cell immunodeficiency, congenital alopecia, and nail dystrophy. Last evaluated: 2025-08-03. Review status: criteria provided, single submitter. Criteria: Invitae Variant Classification Sherloc (09022015). Collection method: clinical testing. Allele origin: germline.
Comment: This sequence change falls in intron 7 of the FOXN1 gene. It does not directly change the encoded amino acid sequence of the FOXN1 protein. It affects a nucleotide within the consensus splice site. This variant is present in population databases (rs752486885, gnomAD 0.0009%). This variant has not been reported in the literature in individuals affected with FOXN1-related conditions. ClinVar contains an entry for this variant (Variation ID: 1472333). Variants that disrupt the consensus splice site are a relatively common cause of aberrant splicing (PMID: 17576681, 9536098). Algorithms developed to predict the effect of sequence changes on RNA splicing suggest that this variant is not likely to affect RNA splicing. In summary, the available evidence is currently insufficient to determine the role of this variant in disease. Therefore, it has been classified as a Variant of Uncertain Significance.

Blueprint Genetics
Classification: Likely benign. Last evaluated: 2024-08-29. Review status: criteria provided, single submitter. Criteria: ACMG Guidelines, 2015. Collection method: clinical testing. Allele origin: germline.

Literature cited by the submitters: PubMed 17576681 (cited by Labcorp Genetics (formerly Invitae), Labcorp); PubMed 9536098 (cited by Labcorp Genetics (formerly Invitae), Labcorp).